The following is an entry in ClinVar:

ClinVar aggregate classification (germline): Likely benign. Review status: criteria provided, multiple submitters, no conflicts (2 of 4 stars). 3 submissions from 3 submitters: Likely benign (2). 1 of the submissions does not count toward it. Last evaluated 2025-12-18.

Conditions:
COL18A1-related disorder. Also called: COL18A1-related condition; COL18A1-related disorders.

Allele frequency attached by ClinVar (database versions not stated): gnomAD exomes 0.00005 and 0.00009; ExAC 0.00006; gnomAD 0.00017 and 0.00021; 1000 Genomes Project 0.00020; TOPMed 0.00029; 1000 Genomes Project 30x 0.00031.
gnomAD v4.1: 106 of 1,614,084 alleles (0.0066%); highest among the groups gnomAD compares: Admixed American, 0.052%; no homozygotes.

Submissions (3):

Labcorp Genetics (formerly Invitae), Labcorp
Classification: Likely benign. Last evaluated: 2025-12-18. Review status: criteria provided, single submitter. Criteria: Invitae Variant Classification Sherloc (09022015). Collection method: clinical testing. Allele origin: germline.

Blueprint Genetics
Classification: Likely benign. Last evaluated: 2021-03-25. Review status: criteria provided, single submitter. Criteria: ACMG Guidelines, 2015. Collection method: clinical testing. Allele origin: germline.

PreventionGenetics, part of Exact Sciences
Classification: Likely benign for COL18A1-related condition. Last evaluated: 2022-09-26. Review status: no assertion criteria provided. Collection method: clinical testing. Allele origin: germline. Not counted in ClinVar's aggregate classification.
Comment: This variant is classified as likely benign based on ACMG/AMP sequence variant interpretation guidelines (Richards et al. 2015 PMID: 25741868, with internal and published modifications).

NM_001379500.1(COL18A1):c.315A>C (p.Pro105=)

Gene: COL18A1 (collagen type XVIII alpha 1 chain; plus strand). Cytogenetic location: 21q22.3.
Variant type: single nucleotide variant.
Coding change: c.315A>C on transcript NM_001379500.1 (MANE Select); coding-DNA position 315, A replaced by C.
Protein change: p.Pro105=; no amino-acid change (proline 105 retained).
Molecular consequence: synonymous variant.
Genome position (GRCh38, 1-based): chr21:45,468,450, A>C. VCF-style: chr21-45468450-A-C. GRCh37 (hg19) VCF-style: chr21-46888364-A-C.
Other names: c.855A>C, p.Pro285= (NM_030582.4); c.1560A>C, p.Pro520= (NM_130444.3); c.855A>C (NM_030582.3).
Identifiers: ClinVar variation 1099128 (VCV001099128.12), dbSNP rs201508976, ClinGen allele CA10065718.